The following is an entry in ClinVar:

ClinVar aggregate classification (germline): Conflicting classifications of pathogenicity. Review status: criteria provided, conflicting classifications (1 of 4 stars). 2 submissions from 2 submitters: Likely pathogenic (1); Uncertain significance (1). Last evaluated 2021-08-24.

Conditions:
Ornithine aminotransferase deficiency (GACR). Also called: Ornithine ketoacid aminotransferase deficiency; Gyrate atrophy; Gyrate atrophy of choroid and retina; Girate atrophy of the retina; OKT DEFICIENCY; HYPERORNITHINEMIA WITH GYRATE ATROPHY OF CHOROID AND RETINA. Identifiers: Orphanet 414, MedGen C0018425, MONDO:0009796, OMIM 258870.

Allele frequency attached by ClinVar (database versions not stated): TOPMed 0.00002.

Submissions (2):

Labcorp Genetics (formerly Invitae), Labcorp
Classification: Uncertain significance for Ornithine aminotransferase deficiency. Last evaluated: 2021-08-24. Review status: criteria provided, single submitter. Criteria: Invitae Variant Classification Sherloc (09022015). Collection method: clinical testing. Allele origin: germline.
Comment: This sequence change replaces threonine with isoleucine at codon 322 of the OAT protein (p.Thr322Ile). The threonine residue is highly conserved and there is a moderate physicochemical difference between threonine and isoleucine. This variant is not present in population databases (ExAC no frequency). This variant has not been reported in the literature in individuals affected with OAT-related conditions. Algorithms developed to predict the effect of missense changes on protein structure and function are either unavailable or do not agree on the potential impact of this missense change (SIFT: "Deleterious"; PolyPhen-2: "Probably Damaging"; Align-GVGD: "Class C0"). In summary, the available evidence is currently insufficient to determine the role of this variant in disease. Therefore, it has been classified as a Variant of Uncertain Significance.

Clinical Genetics Service, Universitary Hospital 12 de Octubre
Classification: Likely pathogenic for Ornithine aminotransferase deficiency. Review status: criteria provided, single submitter. Criteria: ACMG Guidelines, 2015. Collection method: clinical testing. Allele origin: germline. Affected: yes.

NM_000274.4(OAT):c.965C>T (p.Thr322Ile)

Gene: OAT (ornithine aminotransferase; minus strand). Cytogenetic location: 10q26.13.
Variant type: single nucleotide variant.
Coding change: c.965C>T on transcript NM_000274.4 (MANE Select); coding-DNA position 965, C replaced by T.
Protein change: p.Thr322Ile; replaces threonine 322 with isoleucine.
Molecular consequence: missense variant.
Genome position (GRCh38, 1-based): chr10:124,401,775, G>A on the plus strand (C>T on the coding strand, the complement: OAT is on the minus strand). VCF-style: chr10-124401775-G-A. GRCh37 (hg19) VCF-style: chr10-126090344-G-A.
Other names: c.551C>T, p.Thr184Ile (NM_001171814.2); c.965C>T, p.Thr322Ile (NM_001322965.2, NM_001322966.2, NM_001322967.2 and 3 more transcripts); c.644C>T, p.Thr215Ile (NM_001322971.2); c.365C>T, p.Thr122Ile (NM_001322974.2); c.965C>T (NM_000274.3); short protein forms T122I, T184I, T215I, T322I.
Identifiers: ClinVar variation 1005361 (VCV001005361.7), dbSNP rs953827835, ClinGen allele CA215246067.
Genomic context (GRCh38, chr10:124,401,775, plus strand): 5'-TCAGTCTTTACCTCAAGGGCTGCGATGGCCACTCGGCAGCCTAGTGGATTGCCACCGTAT[G>A]TGGACCCATGCTCCCCTGGCTTAATGGTCAGCATGATGTCATCATCACACAGCACTGCAG-3'
Protein context (NP_000265.1, residues 312-332): LTIKPGEHGS[Thr322Ile]YGGNPLGCRV